The following is an entry in ClinVar:

NM_000407.5(GP1BB):c.387G>T (p.Leu129=)

Genes: GP1BB (glycoprotein Ib platelet subunit beta; plus strand), SEPT5-GP1BB (SEPT5-GP1BB readthrough; plus strand). Cytogenetic location: 22q11.21.
Variant type: single nucleotide variant.
Coding change: c.387G>T on transcript NM_000407.5 (MANE Select); coding-DNA position 387, G replaced by T.
Protein change: p.Leu129=; no amino-acid change (leucine 129 retained).
Molecular consequence: synonymous variant. On other transcripts: non-coding transcript variant (2).
Genome position (GRCh38, 1-based): chr22:19,724,230, G>T. VCF-style: chr22-19724230-G-T. GRCh37 (hg19) VCF-style: chr22-19711753-G-T.
Other names: p.Leu129=.
Identifiers: ClinVar variation 4684467 (VCV004684467.1).

ClinVar aggregate classification (germline): Likely benign (1 of 4 stars; one submission).

Submission:

Mayo Clinic Laboratories, Mayo Clinic
Classification: Likely benign. Last evaluated: 2025-10-23. Review status: criteria provided, single submitter. Criteria: ACMG Guidelines, 2015. Collection method: clinical testing. Allele origin: germline. Observed: 2 variant alleles.
Comment: BP4, BP7, PM2_supporting